The following is an entry in ClinVar:

NM_177438.3(DICER1):c.342A>C (p.Arg114Ser)

Gene: DICER1 (dicer 1, ribonuclease III; minus strand). Cytogenetic location: 14q32.13.
Variant type: single nucleotide variant.
Coding change: c.342A>C on transcript NM_177438.3 (MANE Select); coding-DNA position 342, A replaced by C.
Protein change: p.Arg114Ser; replaces arginine 114 with serine.
Molecular consequence: missense variant. On other transcripts: non-coding transcript variant (5), intron variant (6), 5 prime UTR variant (2).
Genome position (GRCh38, 1-based): chr14:95,131,605, T>G on the plus strand (A>C on the coding strand, the complement: DICER1 is on the minus strand). VCF-style: chr14-95131605-T-G. GRCh37 (hg19) VCF-style: chr14-95597942-T-G.
Other names: c.33+910A>C (NM_001395690.1, NM_001395687.1, NM_001395689.1 and 3 more transcripts); c.-1227A>C (NM_001395697.1); c.342A>C, p.Arg114Ser (NM_001395699.1, NM_001395700.1, NM_030621.4 and 14 more transcripts); c.60A>C, p.Arg20Ser (NM_001395686.1); c.-117A>C (NM_001395691.1); short protein forms R20S, R114S.
Identifiers: ClinVar variation 4011678 (VCV004011678.1).

ClinVar aggregate classification (germline): Uncertain significance (1 of 4 stars; one submission).

Conditions:
Hereditary cancer-predisposing syndrome. Also called: Tumor predisposition; Hereditary neoplastic syndrome; Neoplastic Syndromes, Hereditary; Hereditary Cancer Syndrome. Identifiers: Orphanet 140162, MedGen C0027672, MeSH D009386, MONDO:0015356.

Submission:

Ambry Genetics
Classification: Uncertain significance for Hereditary cancer-predisposing syndrome. Last evaluated: 2025-05-31. Review status: criteria provided, single submitter. Criteria: Ambry Variant Classification Scheme 2023. Collection method: clinical testing. Allele origin: germline.
Comment: The p.R114S variant (also known as c.342A>C), located in coding exon 3 of the DICER1 gene, results from an A to C substitution at nucleotide position 342. The arginine at codon 114 is replaced by serine, an amino acid with dissimilar properties. This amino acid position is conserved. In addition, the in silico prediction for this alteration is inconclusive. Based on the available evidence, the clinical significance of this variant remains unclear.